The following is an entry in ClinVar:

ClinVar aggregate classification (germline): Uncertain significance (1 of 4 stars; one submission).

Conditions:
Cardiovascular phenotype. Identifiers: MedGen CN230736.

Submission:

Ambry Genetics
Classification: Uncertain significance for Cardiovascular phenotype. Last evaluated: 2025-07-13. Review status: criteria provided, single submitter. Criteria: Ambry Variant Classification Scheme 2023. Collection method: clinical testing. Allele origin: germline.
Comment: The p.P106S variant (also known as c.316C>T), located in coding exon 3 of the SPRED1 gene, results from a C to T substitution at nucleotide position 316. The proline at codon 106 is replaced by serine, an amino acid with similar properties. This amino acid position is conserved. In addition, the in silico prediction for this alteration is inconclusive. Based on the available evidence, the clinical significance of this variant remains unclear.

NM_152594.3(SPRED1):c.316C>T (p.Pro106Ser)

Gene: SPRED1 (sprouty related EVH1 domain containing 1; plus strand). Cytogenetic location: 15q14.
Variant type: single nucleotide variant.
Coding change: c.316C>T on transcript NM_152594.3 (MANE Select); coding-DNA position 316, C replaced by T.
Protein change: p.Pro106Ser; replaces proline 106 with serine.
Molecular consequence: missense variant.
Genome position (GRCh38, 1-based): chr15:38,322,349, C>T. VCF-style: chr15-38322349-C-T. GRCh37 (hg19) VCF-style: chr15-38614550-C-T.
Other names: short protein forms P106S.
Identifiers: ClinVar variation 4174033 (VCV004174033.1).